The following is an entry in ClinVar:

ClinVar aggregate classification (germline): Benign/Likely benign. Review status: criteria provided, multiple submitters, no conflicts (2 of 4 stars). 3 submissions from 3 submitters: Benign (1); Likely benign (1). 1 of the submissions does not count toward it. Last evaluated 2026-01-15.

Conditions:
MPDZ-related disorder. Also called: MPDZ-related condition.

Allele frequency attached by ClinVar (database versions not stated): gnomAD exomes 0.00029 and 0.00113; ESP Exome Variant Server 0.00032; gnomAD 0.00046 and 0.00050; 1000 Genomes Project 30x 0.00078; 1000 Genomes Project 0.00080; TOPMed 0.00083; ExAC 0.00092.
gnomAD v4.1: 509 of 1,613,968 alleles (0.032%); highest among the groups gnomAD compares: Admixed American, 0.55%; 1 homozygote.

Submissions (3):

Labcorp Genetics (formerly Invitae), Labcorp
Classification: Benign. Last evaluated: 2026-01-15. Review status: criteria provided, single submitter. Criteria: Invitae Variant Classification Sherloc (09022015). Collection method: clinical testing. Allele origin: germline.

Blueprint Genetics
Classification: Likely benign. Last evaluated: 2024-11-19. Review status: criteria provided, single submitter. Criteria: ACMG Guidelines, 2015. Collection method: clinical testing. Allele origin: germline.

PreventionGenetics, part of Exact Sciences
Classification: Likely benign for MPDZ-related condition. Last evaluated: 2024-07-22. Review status: no assertion criteria provided. Collection method: clinical testing. Allele origin: germline. Not counted in ClinVar's aggregate classification.
Comment: This variant is classified as likely benign based on ACMG/AMP sequence variant interpretation guidelines (Richards et al. 2015 PMID: 25741868, with internal and published modifications).

NM_001378778.1(MPDZ):c.5142A>G (p.Pro1714=)

Gene: MPDZ (multiple PDZ domain crumbs cell polarity complex component; minus strand). Cytogenetic location: 9p23.
Variant type: single nucleotide variant.
Coding change: c.5142A>G on transcript NM_001378778.1 (MANE Select); coding-DNA position 5142, A replaced by G.
Protein change: p.Pro1714=; no amino-acid change (proline 1714 retained).
Molecular consequence: synonymous variant.
Genome position (GRCh38, 1-based): chr9:13,121,828, T>C on the plus strand (A>G on the coding strand, the complement: MPDZ is on the minus strand). VCF-style: chr9-13121828-T-C. GRCh37 (hg19) VCF-style: chr9-13121827-T-C.
Other names: c.5043A>G, p.Pro1681= (NM_001261406.2, NM_001261407.2, NM_001375416.1 and 3 more transcripts); c.5142A>G, p.Pro1714= (NM_001330637.2, NM_003829.5); c.5241A>G, p.Pro1747= (NM_001375413.1); c.4932A>G, p.Pro1644= (NM_001375420.1, NM_001375421.1, NM_001375422.1 and 4 more transcripts); c.4734A>G, p.Pro1578= (NM_001375427.1).
Identifiers: ClinVar variation 709103 (VCV000709103.13), dbSNP rs182389570, ClinGen allele CA4986417.